The following is an entry in ClinVar:

ClinVar aggregate classification (germline): Uncertain significance (1 of 4 stars; one submission).

Submission:

Labcorp Genetics (formerly Invitae), Labcorp
Classification: Uncertain significance. Last evaluated: 2022-09-23. Review status: criteria provided, single submitter. Criteria: Invitae Variant Classification Sherloc (09022015). Collection method: clinical testing. Allele origin: germline.
Comment: This sequence change replaces glutamic acid, which is acidic and polar, with aspartic acid, which is acidic and polar, at codon 684 of the NEDD4L protein (p.Glu684Asp). This variant is not present in population databases (gnomAD no frequency). This variant has not been reported in the literature in individuals affected with NEDD4L-related conditions. Advanced modeling of protein sequence and biophysical properties (such as structural, functional, and spatial information, amino acid conservation, physicochemical variation, residue mobility, and thermodynamic stability) performed at Invitae indicates that this missense variant is not expected to disrupt NEDD4L protein function. In summary, the available evidence is currently insufficient to determine the role of this variant in disease. Therefore, it has been classified as a Variant of Uncertain Significance.

NM_001144967.3(NEDD4L):c.2112G>T (p.Glu704Asp)

Gene: NEDD4L (NEDD4 like E3 ubiquitin protein ligase; plus strand). Cytogenetic location: 18q21.31.
Variant type: single nucleotide variant.
Coding change: c.2112G>T on transcript NM_001144967.3 (MANE Select); coding-DNA position 2112, G replaced by T.
Protein change: p.Glu704Asp; replaces glutamic acid 704 with aspartic acid.
Molecular consequence: missense variant.
Genome position (GRCh38, 1-based): chr18:58,367,794, G>T. VCF-style: chr18-58367794-G-T. GRCh37 (hg19) VCF-style: chr18-56035026-G-T.
Other names: c.1749G>T, p.Glu583Asp (NM_001144964.1, NM_001144965.2, NM_001144966.3); c.2088G>T, p.Glu696Asp (NM_001144968.2); c.2028G>T, p.Glu676Asp (NM_001144969.2); c.1689G>T, p.Glu563Asp (NM_001144970.3, NM_001144971.2); c.1920G>T, p.Glu640Asp (NM_001243960.2); c.2052G>T, p.Glu684Asp (NM_015277.6); short protein forms E563D, E583D, E640D, E676D, E684D, E696D, E704D.
Identifiers: ClinVar variation 1720105 (VCV001720105.5), dbSNP rs2517725886, ClinGen allele CA402549847.